The following is an entry in ClinVar:

ClinVar aggregate classification (germline): Likely pathogenic (1 of 4 stars; one submission).

Conditions:
Mucopolysaccharidosis, MPS-III-B (MPS3B). Also called: N-ACETYL-ALPHA-D-GLUCOSAMINIDASE DEFICIENCY; NAGLU DEFICIENCY; SANFILIPPO SYNDROME B; MPS III B; MPS IIIB (Sanfilippo Syndrome Type B); MUCOPOLYSACCHARIDOSIS, TYPE IIIB. Identifiers: Orphanet 79270, MedGen C0086648, MONDO:0009656, OMIM 252920.
Charcot-Marie-Tooth disease axonal type 2V. Also called: CHARCOT-MARIE-TOOTH NEUROPATHY, TYPE 2V; CHARCOT-MARIE-TOOTH DISEASE, AXONAL, AUTOSOMAL DOMINANT, TYPE 2V. Identifiers: Orphanet 447964, MedGen C5569050, MONDO:0014665, OMIM 616491.

Submission:

Labcorp Genetics (formerly Invitae), Labcorp
Classification: Likely pathogenic for Charcot-Marie-Tooth disease axonal type 2V; Mucopolysaccharidosis, MPS-III-B. Last evaluated: 2022-08-09. Review status: criteria provided, single submitter. Criteria: Invitae Variant Classification Sherloc (09022015). Collection method: clinical testing. Allele origin: germline.
Comment: Advanced modeling of protein sequence and biophysical properties (such as structural, functional, and spatial information, amino acid conservation, physicochemical variation, residue mobility, and thermodynamic stability) performed at Invitae indicates that this missense variant is expected to disrupt NAGLU protein function. In summary, the currently available evidence indicates that the variant is pathogenic, but additional data are needed to prove that conclusively. Therefore, this variant has been classified as Likely Pathogenic. This variant disrupts the p.Leu561 amino acid residue in NAGLU. Other variant(s) that disrupt this residue have been determined to be pathogenic (PMID: 9950362). This suggests that this residue is clinically significant, and that variants that disrupt this residue are likely to be disease-causing. ClinVar contains an entry for this variant (Variation ID: 1420214). This variant has not been reported in the literature in individuals affected with NAGLU-related conditions. This variant is not present in population databases (gnomAD no frequency). This sequence change replaces leucine, which is neutral and non-polar, with proline, which is neutral and non-polar, at codon 561 of the NAGLU protein (p.Leu561Pro).

Literature cited by the submitters: PubMed 9950362.

NM_000263.4(NAGLU):c.1682T>C (p.Leu561Pro)

Gene: NAGLU (N-acetyl-alpha-glucosaminidase; plus strand). Cytogenetic location: 17q21.2.
Variant type: single nucleotide variant.
Coding change: c.1682T>C on transcript NM_000263.4 (MANE Select); coding-DNA position 1682, T replaced by C.
Protein change: p.Leu561Pro; replaces leucine 561 with proline.
Molecular consequence: missense variant.
Genome position (GRCh38, 1-based): chr17:42,543,688, T>C. VCF-style: chr17-42543688-T-C. GRCh37 (hg19) VCF-style: chr17-40695706-T-C.
Other names: short protein forms L561P.
Identifiers: ClinVar variation 1420214 (VCV001420214.8), dbSNP rs2092928624, ClinGen allele CA399604459.